The following is an entry in ClinVar:

ClinVar aggregate classification (germline): Uncertain significance (1 of 4 stars; one submission).

Conditions:
Hypertrophic cardiomyopathy. Also called: HYPERTROPHIC MYOCARDIOPATHY. Identifiers: Orphanet 217569, MedGen C0007194, MeSH D002312, MONDO:0005045, HP:0001639.

Submission:

All of Us Research Program, National Institutes of Health
Classification: Uncertain significance for Hypertrophic cardiomyopathy. Last evaluated: 2023-03-04. Review status: criteria provided, single submitter. Criteria: ACMG Guidelines, 2015. Collection method: clinical testing. Allele origin: germline. Inheritance: Autosomal dominant inheritance. Observed: 1 variant allele, 1 heterozygote.
Comment: This study involves interpretation of variants in research participants for the purpose of population health screening. Participant phenotype was not available at the time of variant classification. Additional details can be found in publication PMID: 35346344, PMCID: PMC8962531

NM_000432.4(MYL2):c.425_426insTGGTCAACA (p.Phe142_Pro143insGlyGlnHis)

Gene: MYL2 (myosin light chain 2; minus strand). Cytogenetic location: 12q24.11.
Variant type: Insertion.
Coding change: c.425_426insTGGTCAACA on transcript NM_000432.4 (MANE Select); coding-DNA positions 425 to 426, TGGTCAACA inserted.
Protein change: p.Phe142_Pro143insGlyGlnHis.
Molecular consequence: inframe insertion. On other transcripts: inframe indel (1).
Genome position: GRCh38 VCF-style: chr12-110911152-G-GTGTTGACCA. GRCh37 (hg19) VCF-style: chr12-111348956-G-GTGTTGACCA.
Other names: c.368_369insTGGTCAACA, p.Phe123_Pro124insGlyGlnHis (NM_001406916.1); c.383_384insTGGTCAACA, p.Phe128_Pro129insGlyGlnHis (NM_001406745.1, NM_001406746.1).
Identifiers: ClinVar variation 3069735 (VCV003069735.1), dbSNP rs2499806164, ClinGen allele CA2825002048.
Genomic context (GRCh38, chr12:110,911,152, plus strand): 5'-TCCGTGGGTGATGATGTGCACCAGGTTCTTGTAGTCCAAGTTGCCAGTCACGTCAGGGGG[G>GTGTTGACCA]AAGGCGGCGAACATCTGGTCAACCTGCAATGAGCCAGCAACACGTGCTAAGGACGAGGGG-3'